The following is an entry in ClinVar:

NM_006158.5(NEFL):c.1179G>C (p.Leu393Phe)

Gene: NEFL (neurofilament light chain; minus strand). Cytogenetic location: 8p21.2.
Variant type: single nucleotide variant.
Coding change: c.1179G>C on transcript NM_006158.5 (MANE Select); coding-DNA position 1179, G replaced by C.
Protein change: p.Leu393Phe; replaces leucine 393 with phenylalanine.
Molecular consequence: missense variant.
Genome position (GRCh38, 1-based): chr8:24,953,786, C>G on the plus strand (G>C on the coding strand, the complement: NEFL is on the minus strand). VCF-style: chr8-24953786-C-G. GRCh37 (hg19) VCF-style: chr8-24811300-C-G.
Other names: p.Leu393Phe; short protein forms L393F.
Identifiers: ClinVar variation 245748 (VCV000245748.16), dbSNP rs879253927, ClinGen allele CA10584291.
Genomic context (GRCh38, chr8:24,953,786, plus strand): 5'-GGAGTAGCCACTGGTTATGCTTCCCACGCTGGTGAAACTGAGTCGGGTCTCCTCGCCTTC[C>G]AAGAGTTTCCTGGGGATGCAGATGCAAGGTGAGGTTAAAAAACACCTGTGTTTCACAACT-3'
Protein context (NP_006149.2, residues 383-403): DIEIAAYRKL[Leu393Phe]EGEETRLSFT

ClinVar aggregate classification (germline): Conflicting classifications of pathogenicity. Review status: criteria provided, conflicting classifications (1 of 4 stars). 4 submissions from 4 submitters: Pathogenic (1); Likely pathogenic (1); Uncertain significance (1). 1 of the submissions does not count toward it. Last evaluated 2025-08-30.

Conditions:
Charcot-Marie-Tooth disease. Also called: Charcot-Marie-Tooth Neuropathy; Charcot-Marie-Tooth Hereditary Neuropathy. Identifiers: Orphanet 166, MedGen C0007959, MONDO:0015626.
Charcot-Marie-Tooth disease type 2E (CMT2E). Also called: CHARCOT-MARIE-TOOTH DISEASE, AXONAL, TYPE 2E; CHARCOT-MARIE-TOOTH NEUROPATHY, TYPE 2E. Identifiers: Orphanet 99939, MedGen C1843225, MONDO:0011894, OMIM 607684.

Submissions (4):

GeneDx
Classification: Likely pathogenic. Last evaluated: 2025-08-30. Review status: criteria provided, single submitter. Criteria: GeneDx Variant Classification Process June 2021. Collection method: clinical testing. Allele origin: germline. Affected: yes.
Comment: Not observed at significant frequency in large population cohorts (gnomAD); In silico analysis supports that this missense variant has a deleterious effect on protein structure/function; Has not been previously published as pathogenic or benign to our knowledge

Mayo Clinic Laboratories, Mayo Clinic
Classification: Uncertain significance. Last evaluated: 2025-04-24. Review status: criteria provided, single submitter. Criteria: ACMG Guidelines, 2015. Collection method: clinical testing. Allele origin: germline. Observed: 1 variant allele.
Comment: PM2_supporting

Labcorp Genetics (formerly Invitae), Labcorp
Classification: Pathogenic for Charcot-Marie-Tooth disease type 2E. Last evaluated: 2025-02-10. Review status: criteria provided, single submitter. Criteria: Invitae Variant Classification Sherloc (09022015). Collection method: clinical testing. Allele origin: germline.
Comment: This sequence change replaces leucine, which is neutral and non-polar, with phenylalanine, which is neutral and non-polar, at codon 393 of the NEFL protein (p.Leu393Phe). This variant is not present in population databases (gnomAD no frequency). This missense change has been observed in individuals with autosomal dominant Charcot-Marie-Tooth disease (internal data). It has also been observed to segregate with disease in related individuals. ClinVar contains an entry for this variant (Variation ID: 245748). Invitae Evidence Modeling of protein sequence and biophysical properties (such as structural, functional, and spatial information, amino acid conservation, physicochemical variation, residue mobility, and thermodynamic stability) indicates that this missense variant is expected to disrupt NEFL protein function with a positive predictive value of 80%. For these reasons, this variant has been classified as Pathogenic.

Genesis Genome Database
Classification: Uncertain significance for Charcot-Marie-Tooth disease. Last evaluated: 2019-08-14. Review status: no assertion criteria provided. Collection method: research. Allele origin: germline. Affected: yes. Not counted in ClinVar's aggregate classification.